The following is an entry in ClinVar:

NM_015340.4(LARS2):c.2676G>A (p.Pro892=)

Gene: LARS2 (leucyl-tRNA synthetase 2, mitochondrial; plus strand). Cytogenetic location: 3p21.31.
Variant type: single nucleotide variant.
Coding change: c.2676G>A on transcript NM_015340.4 (MANE Select); coding-DNA position 2676, G replaced by A.
Protein change: p.Pro892=; no amino-acid change (proline 892 retained).
Molecular consequence: synonymous variant.
Genome position (GRCh38, 1-based): chr3:45,547,494, G>A. VCF-style: chr3-45547494-G-A. GRCh37 (hg19) VCF-style: chr3-45588986-G-A.
Other names: c.2676G>A, p.Pro892= (NM_001368263.1).
Identifiers: ClinVar variation 681429 (VCV000681429.4), dbSNP rs550066510, ClinGen allele CA2349969.
Genomic context (GRCh38, chr3:45,547,494, plus strand): 5'-AAGCGAGCTGGGTGTCAGGCTTTTGCAAGGACGAAGCATCAAGAAGTCCTTCCTTTCCCC[G>A]AGAACTGCCCTCATCAACTTCCTGGTGCAAGATTGACAGCCAGGAGGCTGCAGCTACCAC-3'
Protein context (NP_056155.1, residues 882-902): GRSIKKSFLS[Pro892=]RTALINFLVQ

ClinVar aggregate classification (germline): Likely benign. Review status: criteria provided, multiple submitters, no conflicts (2 of 4 stars). 3 submissions from 3 submitters: Likely benign (3). Last evaluated 2025-08-25.

Conditions:
LARS2-related disorder. Also called: LARS2-related condition.

Allele frequency attached by ClinVar (database versions not stated): gnomAD 0.00001; TOPMed 0.00001; ExAC 0.00005; 1000 Genomes Project 0.00040; gnomAD exomes 0.00006; 1000 Genomes Project 30x 0.00031.
gnomAD v4.1: 23 of 1,612,362 alleles (0.0014%); highest among the groups gnomAD compares: East Asian, 0.036%; no homozygotes.

Submissions (3):

PreventionGenetics, part of Exact Sciences
Classification: Likely benign for LARS2-related condition. Last evaluated: 2025-08-25. Review status: criteria provided, single submitter. Criteria: ACMG Guidelines, 2015. Collection method: clinical testing. Allele origin: germline.
Comment: This variant is classified as likely benign based on ACMG/AMP sequence variant interpretation guidelines (Richards et al. 2015 PMID: 25741868, with internal and published modifications).

Labcorp Genetics (formerly Invitae), Labcorp
Classification: Likely benign. Last evaluated: 2024-12-13. Review status: criteria provided, single submitter. Criteria: Invitae Variant Classification Sherloc (09022015). Collection method: clinical testing. Allele origin: germline.

GeneDx
Classification: Likely benign. Last evaluated: 2018-05-03. Review status: criteria provided, single submitter. Criteria: GeneDx Variant Classification (06012015). Collection method: clinical testing. Allele origin: germline. Affected: yes.
Comment: This variant is considered likely benign or benign based on one or more of the following criteria: it is a conservative change, it occurs at a poorly conserved position in the protein, it is predicted to be benign by multiple in silico algorithms, and/or has population frequency not consistent with disease.